The following is an entry in ClinVar:

ClinVar aggregate classification (germline): Uncertain significance. Review status: criteria provided, multiple submitters, no conflicts (2 of 4 stars). 7 submissions from 6 submitters: Uncertain significance (7). Last evaluated 2024-11-07.

Conditions:
Congenital multicore myopathy with external ophthalmoplegia (CMYO1B). Also called: MULTICORE MYOPATHY; Congenital myopathy 1B, autosomal recessive; Minicore myopathy; MULTIMINICORE DISEASE WITH EXTERNAL OPHTHALMOPLEGIA; Minicore myopathy with external ophthalmoplegia. Identifiers: Orphanet 598, Orphanet 98905, MedGen C1850674, MONDO:0009712, OMIM 255320, HP:0003789.
Central core myopathy (CMYO1A). Also called: Central core disease; Myopathy, central fibrillar; CONGENITAL MYOPATHY 1A, AUTOSOMAL DOMINANT, WITH SUSCEPTIBILITY TO MALIGNANT HYPERTHERMIA. Identifiers: Orphanet 597, MedGen C5830701, MONDO:0007294, OMIM 117000.
Malignant hyperthermia, susceptibility to, 1 (MHS1). Also called: Malignant hyperthermia suceptibility 1; RYR1-Related Malignant Hyperthermia Susceptibility; Anesthesia related hyperthermia; Malignant hyperpyrexia; Fulminating hyperpyrexia; Pharmacogenic myopathy. Identifiers: Orphanet 423, MedGen C2930980, MONDO:0007783, OMIM 145600.
King Denborough syndrome (KDS). Identifiers: MedGen C1840365, MONDO:0020485, OMIM 619542.
Congenital myopathy with fiber type disproportion. Also called: Congenital fiber-type disproportion; Congenital fiber-type disproportion myopathy. Identifiers: MONDO:0009711, Orphanet 2020, MedGen C0546264. Inheritance: all.
RYR1-related disorder. Also called: RYR1-related disorders; RYR1-related condition. Identifiers: MedGen CN239331.

Allele frequency attached by ClinVar (database versions not stated): gnomAD 0.00003; ExAC 0.00004; gnomAD exomes 0.00004 and 0.00011; TOPMed 0.00005.
gnomAD v4.1: 152 of 1,613,994 alleles (0.0094%); highest among the groups gnomAD compares: Non-Finnish European, 0.013%; no homozygotes.

Submissions (7):

Labcorp Genetics (formerly Invitae), Labcorp
Classification: Uncertain significance for RYR1-related disorder. Last evaluated: 2024-11-07. Review status: criteria provided, single submitter. Criteria: Invitae Variant Classification Sherloc (09022015). Collection method: clinical testing. Allele origin: germline.
Comment: This sequence change replaces alanine, which is neutral and non-polar, with threonine, which is neutral and polar, at codon 2705 of the RYR1 protein (p.Ala2705Thr). This variant is present in population databases (rs536813036, gnomAD 0.008%). This variant has not been reported in the literature in individuals affected with RYR1-related conditions. ClinVar contains an entry for this variant (Variation ID: 224392). Invitae Evidence Modeling of protein sequence and biophysical properties (such as structural, functional, and spatial information, amino acid conservation, physicochemical variation, residue mobility, and thermodynamic stability) indicates that this missense variant is not expected to disrupt RYR1 protein function with a negative predictive value of 80%. In summary, the available evidence is currently insufficient to determine the role of this variant in disease. Therefore, it has been classified as a Variant of Uncertain Significance.

All of Us Research Program, National Institutes of Health
Classification: Uncertain significance for Malignant hyperthermia, susceptibility to, 1. Last evaluated: 2024-08-29. Review status: criteria provided, single submitter. Criteria: ACMG Guidelines, 2015. Collection method: clinical testing. Allele origin: germline. Inheritance: Autosomal dominant inheritance. Observed: 12 variant alleles, 12 heterozygotes.
Comment: This missense variant replaces alanine with threonine at codon 2705 of the RYR1 protein. Computational prediction suggests that this variant may not impact protein structure and function (internally defined REVEL score threshold <= 0.5, PMID: 27666373). To our knowledge, functional studies have not been reported for this variant. This variant has not been reported in individuals affected with RYR1-related disorders in the literature. This variant has been identified in 9/251424 chromosomes in the general population by the Genome Aggregation Database (gnomAD). The available evidence is insufficient to determine the role of this variant in disease conclusively. Therefore, this variant is classified as a Variant of Uncertain Significance.

This study involves interpretation of variants in research participants for the purpose of population health screening. Participant phenotype was not available at the time of variant classification. Additional details can be found in publication PMID: 35346344, PMCID: PMC8962531

Color Diagnostics, LLC DBA Color Health
Classification: Uncertain significance for Malignant hyperthermia, susceptibility to, 1. Last evaluated: 2024-02-03. Review status: criteria provided, single submitter. Criteria: ACMG Guidelines, 2015. Collection method: clinical testing. Allele origin: germline.
Comment: This missense variant replaces alanine with threonine at codon 2705 of the RYR1 protein. Computational prediction suggests that this variant may not impact protein structure and function. To our knowledge, functional studies have not been reported for this variant. This variant has not been reported in individuals affected with RYR1-related disorders in the literature. This variant has been identified in 9/251424 chromosomes in the general population by the Genome Aggregation Database (gnomAD). The available evidence is insufficient to determine the role of this variant in disease conclusively. Therefore, this variant is classified as a Variant of Uncertain Significance.

Fulgent Genetics
Classification: Uncertain significance for Central core myopathy; Malignant hyperthermia, susceptibility to, 1; Congenital myopathy 4A, autosomal dominant; Congenital multicore myopathy with external ophthalmoplegia; King Denborough syndrome. Last evaluated: 2021-09-17. Review status: criteria provided, single submitter. Criteria: ACMG Guidelines, 2015. Collection method: clinical testing. Allele origin: unknown.

Illumina Laboratory Services, Illumina
Classification: Uncertain significance for Congenital multicore myopathy with external ophthalmoplegia. Last evaluated: 2017-04-28. Review status: criteria provided, single submitter. Criteria: ICSL Variant Classification Criteria 13 December 2019. Collection method: clinical testing. Allele origin: germline.

Illumina Laboratory Services, Illumina
Classification: Uncertain significance for Malignant hyperthermia, susceptibility to, 1. Last evaluated: 2017-04-28. Review status: criteria provided, single submitter. Criteria: ICSL Variant Classification Criteria 13 December 2019. Collection method: clinical testing. Allele origin: germline.

Biesecker Lab/Clinical Genomics Section, National Institutes of Health
Classification: Uncertain significance for Malignant hyperthermia, susceptibility to, 1. Last evaluated: 2013-07-01. Review status: criteria provided, single submitter. Criteria: Gonsalves et al. 2013. Collection method: research. Allele origin: unknown. Observed: 1 variant allele. Study: ClinSeq.
Comment: The study set was not selected for affection status in relation to any myopathy. Pathogenicity categories were based on literature curation. See Pubmed ID: 24195946 for details.

NM_000540.3(RYR1):c.8113G>A (p.Ala2705Thr)

Gene: RYR1 (ryanodine receptor 1; plus strand). Cytogenetic location: 19q13.2.
Variant type: single nucleotide variant.
Coding change: c.8113G>A on transcript NM_000540.3 (MANE Select); coding-DNA position 8113, G replaced by A.
Protein change: p.Ala2705Thr; replaces alanine 2705 with threonine.
Molecular consequence: missense variant.
Genome position (GRCh38, 1-based): chr19:38,504,793, G>A. VCF-style: chr19-38504793-G-A. GRCh37 (hg19) VCF-style: chr19-38995433-G-A.
Other names: c.8113G>A, p.Ala2705Thr (NM_001042723.2); short protein forms A2705T.
Identifiers: ClinVar variation 224392 (VCV000224392.15), dbSNP rs536813036, ClinGen allele CA071491.